The following is an entry in ClinVar:

NM_153240.5(NPHP3):c.140G>T (p.Arg47Leu)

Genes: NPHP3 (nephrocystin 3; minus strand), NPHP3-ACAD11 (NPHP3-ACAD11 readthrough (NMD candidate); minus strand), NPHP3-AS1 (NPHP3 antisense RNA 1; plus strand), LOC129937586 (ATAC-STARR-seq lymphoblastoid silent region 14743; plus strand). Cytogenetic location: 3q22.1.
Variant type: single nucleotide variant.
Coding change: c.140G>T on transcript NM_153240.5 (MANE Select); coding-DNA position 140, G replaced by T.
Protein change: p.Arg47Leu; replaces arginine 47 with leucine.
Molecular consequence: missense variant. On other transcripts: non-coding transcript variant (3).
Genome position (GRCh38, 1-based): chr3:132,722,216, C>A on the plus strand (G>T on the coding strand, the complement: NPHP3 is on the minus strand). VCF-style: chr3-132722216-C-A. GRCh37 (hg19) VCF-style: chr3-132441060-C-A.
Other names: short protein forms R47L.
Identifiers: ClinVar variation 1358085 (VCV001358085.5), dbSNP rs1195739416, ClinGen allele CA354589679.

ClinVar aggregate classification (germline): Uncertain significance (1 of 4 stars; one submission).

Conditions:
Nephronophthisis. Also called: Juvenile Nephronophthisis. Identifiers: Orphanet 655, MedGen C0687120, MONDO:0019005, HP:0000090.

Submission:

Labcorp Genetics (formerly Invitae), Labcorp
Classification: Uncertain significance for Nephronophthisis. Last evaluated: 2022-02-05. Review status: criteria provided, single submitter. Criteria: Invitae Variant Classification Sherloc (09022015). Collection method: clinical testing. Allele origin: germline.
Comment: This sequence change replaces arginine, which is basic and polar, with leucine, which is neutral and non-polar, at codon 47 of the NPHP3 protein (p.Arg47Leu). This variant is not present in population databases (gnomAD no frequency). This variant has not been reported in the literature in individuals affected with NPHP3-related conditions. Algorithms developed to predict the effect of missense changes on protein structure and function are either unavailable or do not agree on the potential impact of this missense change (SIFT: "Deleterious"; PolyPhen-2: "Benign"; Align-GVGD: "Class C0"). In summary, the available evidence is currently insufficient to determine the role of this variant in disease. Therefore, it has been classified as a Variant of Uncertain Significance.